The following is an entry in ClinVar:

ClinVar aggregate classification (germline): Conflicting classifications of pathogenicity. Review status: criteria provided, conflicting classifications (1 of 4 stars). 3 submissions from 3 submitters: Likely pathogenic (1); Uncertain significance (2). Last evaluated 2023-08-28.

Conditions:
KDM5C-related disorder. Also called: KDM5C-related condition.

Allele frequency attached by ClinVar (database versions not stated): gnomAD exomes below 0.00001.
gnomAD v4.1: 1 of 1,211,980 alleles (0.000083%); no homozygotes.

Submissions (3):

PreventionGenetics, part of Exact Sciences
Classification: Uncertain significance for KDM5C-related condition. Last evaluated: 2023-08-28. Review status: criteria provided, single submitter. Criteria: ACMG Guidelines, 2015. Collection method: clinical testing. Allele origin: germline.
Comment: The KDM5C c.2138C>T variant is predicted to result in the amino acid substitution p.Thr713Met. This variant has been reported in an individual with X-linked intellectual disability; however, no detailed phenotype information was provided (patient 833, Tarpey et al. 2009. PubMed ID: 19377476). This variant has not been reported in a large population database, indicating this variant is rare. Although we suspect this variant could be pathogenic, at this time, the clinical significance of this variant is uncertain due to the absence of conclusive functional and genetic evidence.

CeGaT Center for Human Genetics Tuebingen
Classification: Uncertain significance. Last evaluated: 2019-08-01. Review status: criteria provided, single submitter. Criteria: CeGaT Center For Human Genetics Tuebingen Variant Classification Criteria Version 2. Collection method: clinical testing. Allele origin: germline. Affected: yes. Observed: 3 variant alleles.

GeneDx
Classification: Likely pathogenic. Last evaluated: 2016-03-28. Review status: criteria provided, single submitter. Criteria: GeneDx Variant Classification (06012015). Collection method: clinical testing. Allele origin: germline. Affected: yes.
Comment: The T713M variant in the KDM5C gene has been previously reported in an individual with X-linked intellectual disability, however, no clinical information was provided and it is unknown if this individual harbored variants in other genes associated with intellectual disability (Tarpey et al., 2009). The T713M variant was not observed in approximately 6500 individuals of European and African American ancestry in the NHLBI Exome Sequencing Project, indicating it is not a common benign variant in these populations. The T713M variant is a non-conservative amino acid substitution, which is likely to impact secondary protein structure as these residues differ in polarity, charge, size and/or other properties. This substitution occurs at a position that is conserved across species. In silico analysis predicts this variant is probably damaging to the protein structure/function. The T713M variant is a strong candidate for a pathogenic variant, however the possibility it may be a rare benign variant cannot be excluded.

NM_004187.5(KDM5C):c.2138C>T (p.Thr713Met)

Gene: KDM5C (lysine demethylase 5C; minus strand). Cytogenetic location: Xp11.22.
Variant type: single nucleotide variant.
Coding change: c.2138C>T on transcript NM_004187.5 (MANE Select); coding-DNA position 2138, C replaced by T.
Protein change: p.Thr713Met; replaces threonine 713 with methionine.
Molecular consequence: missense variant. On other transcripts: non-coding transcript variant (3).
Genome position (GRCh38, 1-based): chrX:53,199,082, G>A on the plus strand (C>T on the coding strand, the complement: KDM5C is on the minus strand). VCF-style: chrX-53199082-G-A. GRCh37 (hg19) VCF-style: chrX-53228264-G-A.
Other names: c.1937C>T, p.Thr646Met (NM_001146702.2); c.2135C>T, p.Thr712Met (NM_001282622.3, NM_001353979.2, NM_001353982.2); c.2138C>T, p.Thr713Met (NM_001353978.3, NM_001353981.2, NM_001353984.2); c.2138C>T (NM_004187.3); short protein forms T713M, T646M, T712M.
Identifiers: ClinVar variation 420838 (VCV000420838.45), dbSNP rs1064794733, ClinGen allele CA16621433.